The following is an entry in ClinVar:

NM_003594.4(TTF2):c.2463A>C (p.Thr821=)

Gene: TTF2 (transcription termination factor 2; plus strand). Cytogenetic location: 1p13.1.
Variant type: single nucleotide variant.
Coding change: c.2463A>C on transcript NM_003594.4 (MANE Select); coding-DNA position 2463, A replaced by C.
Protein change: p.Thr821=; no amino-acid change (threonine 821 retained).
Molecular consequence: synonymous variant.
Genome position (GRCh38, 1-based): chr1:117,090,175, A>C. VCF-style: chr1-117090175-A-C. GRCh37 (hg19) VCF-style: chr1-117632797-A-C.
Identifiers: ClinVar variation 2639030 (VCV002639030.24), dbSNP rs1204414647, ClinGen allele CA419933305.

ClinVar aggregate classification (germline): Likely benign (1 of 4 stars; one submission).

Allele frequency attached by ClinVar (database versions not stated): TOPMed below 0.00001.
gnomAD v4.1: 2 of 1,614,122 alleles (0.00012%); highest among the groups gnomAD compares: Non-Finnish European, 0.00017%; no homozygotes.

Submission:

CeGaT Center for Human Genetics Tuebingen
Classification: Likely benign. Last evaluated: 2023-01-01. Review status: criteria provided, single submitter. Criteria: CeGaT Center For Human Genetics Tuebingen Variant Classification Criteria Version 2. Collection method: clinical testing. Allele origin: germline. Affected: yes. Observed: 1 variant allele.
Comment: TTF2: PM2:Supporting, BP4, BP7